The following is an entry in ClinVar:

NM_021008.4(DEAF1):c.1256-6C>T

Genes: DEAF1 (DEAF1 transcription factor; minus strand), LOC126861109 (BRD4-independent group 4 enhancer GRCh37_chr11:673917-675116; plus strand). Cytogenetic location: 11p15.5.
Variant type: single nucleotide variant.
Coding change: c.1256-6C>T on transcript NM_021008.4 (MANE Select); 6 bases into the intron before coding-DNA position 1256, C replaced by T.
Molecular consequence: intron variant.
Genome position (GRCh38, 1-based): chr11:674,789, G>A on the plus strand (C>T on the coding strand, the complement: DEAF1 is on the minus strand). VCF-style: chr11-674789-G-A. GRCh37 (hg19) VCF-style: chr11-674789-G-A.
Other names: c.530-6C>T (NM_001367390.1, NM_001440885.1, NM_001440887.1 and 1 more transcripts); c.989-6C>T (NM_001293634.2); c.1127-6C>T (NM_001440884.1); c.1256-6C>T (NM_001440883.1).
Identifiers: ClinVar variation 726152 (VCV000726152.10), dbSNP rs376238473, ClinGen allele CA5786259.

ClinVar aggregate classification (germline): Likely benign. Review status: criteria provided, single submitter (1 of 4 stars). 2 submissions from 2 submitters: Likely benign (1). 1 of the submissions does not count toward it. Last evaluated 2025-10-26.

Conditions:
DEAF1-related disorder.

Allele frequency attached by ClinVar (database versions not stated): ExAC 0.00001; gnomAD exomes 0.00002; TOPMed 0.00002; gnomAD 0.00003; ESP Exome Variant Server 0.00008.
gnomAD v4.1: 7 of 1,610,272 alleles (0.00043%); highest among the groups gnomAD compares: Non-Finnish European, 0.00059%; no homozygotes.

Submissions (2):

Labcorp Genetics (formerly Invitae), Labcorp
Classification: Likely benign. Last evaluated: 2025-10-26. Review status: criteria provided, single submitter. Criteria: Invitae Variant Classification Sherloc (09022015). Collection method: clinical testing. Allele origin: germline.

PreventionGenetics, part of Exact Sciences
Classification: Likely benign for DEAF1-related condition. Last evaluated: 2022-05-23. Review status: no assertion criteria provided. Collection method: clinical testing. Allele origin: germline. Not counted in ClinVar's aggregate classification.
Comment: This variant is classified as likely benign based on ACMG/AMP sequence variant interpretation guidelines (Richards et al. 2015 PMID: 25741868, with internal and published modifications).